The following is an entry in ClinVar:

ClinVar aggregate classification (germline): Benign (1 of 4 stars; one submission).

Submission:

Unidad de Genómica Garrahan, Hospital de Pediatría Garrahan
Classification: Benign. Last evaluated: 2024-01-24. Review status: criteria provided, single submitter. Criteria: ACMG Guidelines, 2015. Collection method: clinical testing. Allele origin: germline. Affected: no. Observed: 39 variant alleles.
Comment: This variant is classified as Benign based on local population frequency. This variant was detected in 41% of patients studied by a panel of primary immunodeficiencies. Number of patients: 39. Only high quality variants are reported.

NM_006254.4(PRKCD):c.315+36_315+37insGGTG

Gene: PRKCD (protein kinase C delta; plus strand). Cytogenetic location: 3p21.1.
Variant type: Insertion.
Coding change: c.315+36_315+37insGGTG on transcript NM_006254.4 (MANE Select); bases 36 to 37 of the intron after coding-DNA position 315, GGTG inserted.
Molecular consequence: intron variant.
Genome position: GRCh38 VCF-style: chr3-53179809-T-TGTGG. GRCh37 (hg19) VCF-style: chr3-53213825-T-TGTGG.
Other names: c.315+36_315+37insGGTG (NM_001354680.2, NM_001354679.2, NM_212539.2 and 1 more transcripts); c.372+36_372+37insGGTG (NM_001354676.2); c.363+36_363+37insGGTG (NM_001354678.2).
Identifiers: ClinVar variation 2688181 (VCV002688181.2), dbSNP rs2471080887, ClinGen allele CA2697556685.